The following is an entry in ClinVar:

ClinVar aggregate classification (germline): Uncertain significance (1 of 4 stars; one submission).

Submission:

Ambry Genetics
Classification: Uncertain significance. Last evaluated: 2022-08-03. Review status: criteria provided, single submitter. Criteria: Ambry Variant Classification Scheme 2023. Collection method: clinical testing. Allele origin: germline.
Comment: The p.P2853L variant (also known as c.8558C>T), located in coding exon 62 of the PRKDC gene, results from a C to T substitution at nucleotide position 8558. The proline at codon 2853 is replaced by leucine, an amino acid with similar properties. This amino acid position is conserved. Since supporting evidence is limited at this time, the clinical significance of this alteration remains unclear.

NM_006904.7(PRKDC):c.8558C>T (p.Pro2853Leu)

Gene: PRKDC (protein kinase, DNA-activated, catalytic subunit; minus strand). Cytogenetic location: 8q11.21.
Variant type: single nucleotide variant.
Coding change: c.8558C>T on transcript NM_006904.7 (MANE Select); coding-DNA position 8558, C replaced by T.
Protein change: p.Pro2853Leu; replaces proline 2853 with leucine.
Molecular consequence: missense variant.
Genome position (GRCh38, 1-based): chr8:47,828,187, G>A on the plus strand (C>T on the coding strand, the complement: PRKDC is on the minus strand). VCF-style: chr8-47828187-G-A. GRCh37 (hg19) VCF-style: chr8-48740748-G-A.
Other names: c.8558C>T, p.Pro2853Leu (NM_001081640.2); short protein forms P2853L.
Identifiers: ClinVar variation 1763836 (VCV001763836.2), dbSNP rs1563755175, ClinGen allele CA371144326.